The following is an entry in ClinVar:

NM_000179.3(MSH6):c.2779del (p.Ile927fs)

Gene: MSH6 (mutS homolog 6; plus strand). Cytogenetic location: 2p16.3.
Variant type: Deletion.
Coding change: c.2779del on transcript NM_000179.3 (MANE Select); coding-DNA position 2779, one base deleted (A; older notation c.2779delA).
Protein change: p.Ile927fs; shifts the reading frame from isoleucine 927.
Molecular consequence: frameshift variant.
Genome position (GRCh38, 1-based): chr2:47,800,762, A deleted. VCF-style (leftmost placement, unchanged base first): chr2-47800761-TA-T. GRCh37 (hg19) VCF-style: chr2-48027900-TA-T.
Other names: c.2389del, p.Ile797fs (NM_001281492.2); c.1873del, p.Ile625fs (NM_001281493.2, NM_001281494.2); c.2875delA, p.Ile959Leufs (NM_001406795.1, NM_001406802.1); c.2779delA, p.Ile927Leufs (NM_001406796.1, NM_001406798.1, NM_001406800.1 and 2 more transcripts); c.2482delA, p.Ile828Leufs (NM_001406797.1, NM_001406801.1, NM_001406805.1 and 10 more transcripts); c.2254delA, p.Ile752Leufs (NM_001406799.1, NM_001406806.1, NM_001406807.1); c.2701delA, p.Ile901Leufs (NM_001406804.1); c.1873delA, p.Ile625Leufs (NM_001406811.1, NM_001406812.1, NM_001406814.1 and 4 more transcripts); and 3 more; short protein forms I927fs, I625fs, I797fs.
Identifiers: ClinVar variation 1795884 (VCV001795884.2), dbSNP rs2530692810, ClinGen allele CA2580068066.

ClinVar aggregate classification (germline): Pathogenic (1 of 4 stars; one submission).

Conditions:
Hereditary cancer-predisposing syndrome. Also called: Tumor predisposition; Hereditary Cancer Syndrome; Neoplastic Syndromes, Hereditary; Hereditary neoplastic syndrome. Identifiers: Orphanet 140162, MedGen C0027672, MeSH D009386, MONDO:0015356.

Submission:

Ambry Genetics
Classification: Pathogenic for Hereditary cancer-predisposing syndrome. Last evaluated: 2020-02-26. Review status: criteria provided, single submitter. Criteria: Ambry Variant Classification Scheme 2023. Collection method: clinical testing. Allele origin: germline.
Comment: The c.2779delA pathogenic mutation, located in coding exon 4 of the MSH6 gene, results from a deletion of one nucleotide at nucleotide position 2779, causing a translational frameshift with a predicted alternate stop codon (p.I927Lfs*18). This alteration is expected to result in loss of function by premature protein truncation or nonsense-mediated mRNA decay. As such, this alteration is interpreted as a disease-causing mutation.